The following is an entry in ClinVar:

NM_001077365.2(POMT1):c.1343T>G (p.Val448Gly)

Gene: POMT1 (protein O-mannosyltransferase 1; plus strand). Cytogenetic location: 9q34.13.
Variant type: single nucleotide variant.
Coding change: c.1343T>G on transcript NM_001077365.2 (MANE Select); coding-DNA position 1343, T replaced by G.
Protein change: p.Val448Gly; replaces valine 448 with glycine.
Molecular consequence: missense variant. On other transcripts: non-coding transcript variant (10).
Genome position (GRCh38, 1-based): chr9:131,518,515, T>G. VCF-style: chr9-131518515-T-G. GRCh37 (hg19) VCF-style: chr9-134393902-T-G.
Other names: c.1181T>G, p.Val394Gly (NM_001077366.2, NM_001353194.2); c.1343T>G, p.Val448Gly (NM_001136113.2, NM_001374690.1); c.992T>G, p.Val331Gly (NM_001136114.2, NM_001353195.2, NM_001374691.1 and 2 more transcripts); c.1409T>G, p.Val470Gly (NM_001353193.2, NM_007171.4); c.1253T>G, p.Val418Gly (NM_001353196.2); c.1247T>G, p.Val416Gly (NM_001353197.2, NM_001353198.2); c.1058T>G, p.Val353Gly (NM_001353199.2); c.887T>G, p.Val296Gly (NM_001353200.2); and 3 more; short protein forms V296G, V318G, V331G, V353G, V394G, V416G, V418G, V444G.
Identifiers: ClinVar variation 2435188 (VCV002435188.4), dbSNP rs1295579616, ClinGen allele CA375311447.

ClinVar aggregate classification (germline): Uncertain significance. Review status: criteria provided, multiple submitters, no conflicts (2 of 4 stars). 2 submissions from 2 submitters: Uncertain significance (2). Last evaluated 2023-12-15.

Submissions (2):

GeneDx
Classification: Uncertain significance. Last evaluated: 2023-12-15. Review status: criteria provided, single submitter. Criteria: GeneDx Variant Classification Process June 2021. Collection method: clinical testing. Allele origin: germline. Affected: yes.
Comment: Not observed at significant frequency in large population cohorts (gnomAD); In silico analysis supports that this missense variant has a deleterious effect on protein structure/function; Has not been previously published as pathogenic or benign to our knowledge

Revvity Omics, Revvity
Classification: Uncertain significance. Last evaluated: 2021-06-09. Review status: criteria provided, single submitter. Criteria: ACMG Guidelines, 2015. Collection method: clinical testing. Allele origin: germline.